The following continues an entry in ClinVar:

NM_000152.5(GAA):c.525del (p.Glu176fs)

Gene: GAA. ClinVar aggregate classification (germline): Pathogenic. Pathogenic (1).

Submissions 22 to 29 of 29:

Myriad Genetics, Inc.
Classification: Pathogenic for Glycogen storage disease, type II. Last evaluated: 2019-12-09. Review status: criteria provided, single submitter. Criteria: Myriad Women's Health Autosomal Recessive and X-Linked Classification Criteria (2019). Collection method: clinical testing. Allele origin: unknown. Not counted in ClinVar's aggregate classification.
Comment: NM_000152.3(GAA):c.525delT(E176Rfs*45) is classified as pathogenic in the context of Pompe disease. Sources cited for classification include the following: PMID 17056254, 16917947, 24158270, 7881422, 8558570, 24590251 and 16702877. Classification of NM_000152.3(GAA):c.525delT(E176Rfs*45) is based on the following criteria: The variant causes a premature termination codon that is expected to be targeted by nonsense-mediated mRNA decay and is reported in individuals with the relevant phenotype. Please note: this variant was assessed in the context of healthy population screening.â€šÃ„Ã¶âˆšÃ‘âˆšÂ£

GeneDx
Classification: Pathogenic. Last evaluated: 2019-08-29. Review status: criteria provided, single submitter. Criteria: GeneDx Variant Classification Process June 2021. Collection method: clinical testing. Allele origin: germline. Affected: yes. Not counted in ClinVar's aggregate classification.
Comment: Expression studies in COS cells show that this variant is associated with a loss of function (Hermans et al., 1994); Frameshift variant predicted to result in protein truncation or nonsense mediated decay in a gene for which loss-of-function is a known mechanism of disease; This variant is associated with the following publications: (PMID: 18607768, 20301438, 16917947, 22676651, 21228398, 22975760, 23000108, 27142047, 14695532, 29946513, 29149851, 30564623, 27189384, 7945303, 9950376, 24715333, 7881422, 8558570, 24590251, 27460347, 27344650, 29422078, 28951071, 18429042, 24158270, 31676142, 31086307, 31589614, 33202836, 8990003, 32528171, 29556838)

Women's Health and Genetics/Laboratory Corporation of America, LabCorp
Classification: Pathogenic for Glycogen storage disease, type II. Last evaluated: 2017-09-05. Review status: criteria provided, single submitter. Criteria: LabCorp Variant Classification Summary - May 2015. Collection method: clinical testing. Allele origin: germline. Not counted in ClinVar's aggregate classification.
Comment: Variant summary: The GAA c.525delT (p.Glu176ArgfsX45) variant results in a premature termination codon, predicted to cause a truncated or absent GAA protein due to nonsense mediated decay, which are commonly known mechanisms for disease. This variant was found in 8/113628 control chromosomes at a frequency of 0.0000704, which does not exceed the estimated maximal expected allele frequency of a pathogenic GAA variant (0.0042205). The variant has been reported in multiple affected individuals via publications and showed abolished to very little activity. In addition, multiple clinical diagnostic laboratories/reputable databases classified this variant as pathogenic. Taken together, this variant is classified as pathogenic.

Knight Diagnostic Laboratories, Oregon Health and Sciences University
Classification: Pathogenic for Glycogen storage disease II. Last evaluated: 2017-02-09. Review status: criteria provided, single submitter. Criteria: ACMG Guidelines, 2015. Collection method: clinical testing. Allele origin: germline. Observed: 1 variant allele. Not counted in ClinVar's aggregate classification.

Eurofins Ntd Llc (ga)
Classification: Pathogenic. Last evaluated: 2016-08-30. Review status: criteria provided, single submitter. Criteria: EGL Classification Definitions. Collection method: clinical testing. Allele origin: germline. Observed: 10 variant alleles, 10 heterozygotes. Not counted in ClinVar's aggregate classification.

OMIM
Classification: Pathogenic for POMPE DISEASE, INFANTILE-ONSET. Last evaluated: 1994-12-01. Review status: no assertion criteria provided. Collection method: literature only. Allele origin: germline. Not counted in ClinVar's aggregate classification.

OMIM
Classification: Pathogenic for POMPE DISEASE, LATE-ONSET. Last evaluated: 1994-12-01. Review status: no assertion criteria provided. Collection method: literature only. Allele origin: germline. Not counted in ClinVar's aggregate classification.

GeneReviews
No classification provided. Condition: Glycogen storage disease, type II. Review status: no classification provided. Collection method: literature only. Allele origin: germline. Not counted in ClinVar's aggregate classification.

Literature cited by the submitters: PubMed 23000108 (cited by 3 submitters); PubMed 24590251 (cited by 4 submitters); PubMed 29422078 (cited by ClinGen Lysosomal Storage Disorder Variant Curation Expert Panel and AiLife Diagnostics); PubMed 27142047 (cited by 4 submitters); PubMed 29946513 (cited by ClinGen Lysosomal Storage Disorder Variant Curation Expert Panel and AiLife Diagnostics); PubMed 29149851 (cited by ClinGen Lysosomal Storage Disorder Variant Curation Expert Panel and AiLife Diagnostics); PubMed 31676142 (cited by ClinGen Lysosomal Storage Disorder Variant Curation Expert Panel and AiLife Diagnostics); PubMed 40660301 (cited by Genomenon, Inc); PubMed 39273088 (cited by Genomenon, Inc); PubMed 38584574 (cited by Genomenon, Inc); PubMed 38313679 (cited by Genomenon, Inc); PubMed 38250073 (cited by Genomenon, Inc); PubMed 38043017 (cited by Genomenon, Inc); PubMed 37841659 (cited by Genomenon, Inc); PubMed 37765007 (cited by Genomenon, Inc); PubMed 37342670 (cited by Genomenon, Inc); PubMed 37087815 (cited by Genomenon, Inc); PubMed 36246652 (cited by 3 submitters); PubMed 7881422 (cited by 7 submitters); PubMed 31342611 (cited by Ambry Genetics and Illumina Laboratory Services, Illumina); PubMed 18425781 (cited by Labcorp Genetics (formerly Invitae), Labcorp); PubMed 22252923 (cited by Labcorp Genetics (formerly Invitae), Labcorp); PubMed 8558570 (cited by 4 submitters); PubMed 14695532 (cited by Labcorp Genetics (formerly Invitae), Labcorp and Broad Center for Mendelian Genomics, Broad Institute of MIT and Harvard); PubMed 18429042 (cited by Labcorp Genetics (formerly Invitae), Labcorp and Broad Center for Mendelian Genomics, Broad Institute of MIT and Harvard); PubMed 21439876 (cited by Labcorp Genetics (formerly Invitae), Labcorp); PubMed 22676651 (cited by Labcorp Genetics (formerly Invitae), Labcorp); PubMed 24158270 (cited by 6 submitters); PubMed 25243733 (cited by 4 submitters); PubMed 28763149 (cited by Natera, Inc.); PubMed 15121988 (cited by Natera, Inc.); PubMed 31086307 (cited by Illumina Laboratory Services, Illumina and AiLife Diagnostics); PubMed 12923862 (cited by Victorian Clinical Genetics Services, Murdoch Childrens Research Institute and Broad Center for Mendelian Genomics, Broad Institute of MIT and Harvard); PubMed 21228398 (cited by AiLife Diagnostics); PubMed 31589614 (cited by AiLife Diagnostics); PubMed 33202836 (cited by AiLife Diagnostics); PubMed 8990003 (cited by 4 submitters); PubMed 22975760 (cited by AiLife Diagnostics); PubMed 30564623 (cited by AiLife Diagnostics); PubMed 27460347 (cited by AiLife Diagnostics); PubMed 28951071 (cited by AiLife Diagnostics); PubMed 27344650 (cited by AiLife Diagnostics); PubMed 32528171 (cited by AiLife Diagnostics); PubMed 29556838 (cited by AiLife Diagnostics); PubMed 26497565 (cited by Broad Center for Mendelian Genomics, Broad Institute of MIT and Harvard); PubMed 23430912 (cited by Broad Center for Mendelian Genomics, Broad Institute of MIT and Harvard); PubMed 18607768 (cited by Broad Center for Mendelian Genomics, Broad Institute of MIT and Harvard); PubMed 17723315 (cited by Broad Center for Mendelian Genomics, Broad Institute of MIT and Harvard); PubMed 27189384 (cited by Broad Center for Mendelian Genomics, Broad Institute of MIT and Harvard); PubMed 19588081 (cited by Broad Center for Mendelian Genomics, Broad Institute of MIT and Harvard); PubMed 16917947 (cited by Broad Center for Mendelian Genomics, Broad Institute of MIT and Harvard and Myriad Genetics, Inc.); PubMed 22980766 (cited by Broad Center for Mendelian Genomics, Broad Institute of MIT and Harvard); PubMed 17056254 (cited by Myriad Genetics, Inc.); PubMed 16702877 (cited by Myriad Genetics, Inc.); NCBI Bookshelf NBK1261 (cited by GeneReviews); PubMed 20301438 (cited by GeneReviews).